The following is an entry in ClinVar:

NM_000059.4(BRCA2):c.5720_5723del (p.Asn1906_Ser1907insTer)

Gene: BRCA2 (BRCA2 DNA repair associated; plus strand). Cytogenetic location: 13q13.1.
Variant type: Microsatellite.
Coding change: c.5720_5723del on transcript NM_000059.4 (MANE Select); coding-DNA positions 5720 to 5723, 4 bases deleted (CTCT; older notation c.5720_5723delCTCT).
Protein change: p.Asn1906_Ser1907insTer.
Molecular consequence: nonsense.
Genome position (GRCh38, 1-based): chr13:32,340,075-32,340,078, CTCT deleted; deleting any 4 consecutive bases within chr13:32,340,073-32,340,078 gives the same sequence; the c. name uses the placement nearest the transcript's 3' end. VCF-style (leftmost placement, unchanged base first): chr13-32340072-ACTCT-A. GRCh37 (hg19) VCF-style: chr13-32914209-ACTCT-A.
Other names: 5946delCTCT; c.5720_5723delCTCT (NM_000059.3); c.5718_5721delCTCT (NM_000059.3).
Identifiers: ClinVar variation 254563 (VCV000254563.20), dbSNP rs80359530, ClinGen allele CA023043.
Genomic context (GRCh38, chr13:32,340,072, plus strand): 5'-AAACGAAAATTATGGCAGGTTGTTACGAGGCATTGGATGATTCAGAGGATATTCTTCATA[ACTCT>A]CTAGATAATGATGAATGTAGCACGCATTCACATAAGGTTTTTGCTGACATTCAGAGTGAA-3'

ClinVar aggregate classification (germline): Pathogenic. Review status: reviewed by expert panel (3 of 4 stars). 11 submissions from 11 submitters: Pathogenic (1). 10 of the submissions do not count toward it. Last evaluated 2016-09-08.

Conditions:
Hereditary cancer-predisposing syndrome. Also called: Tumor predisposition; Hereditary Cancer Syndrome; Neoplastic Syndromes, Hereditary; Hereditary neoplastic syndrome. Identifiers: Orphanet 140162, MedGen C0027672, MeSH D009386, MONDO:0015356.
Hereditary breast ovarian cancer syndrome. Also called: Hereditary breast and ovarian cancer; Breast and ovarian cancer; Hereditary breast and/or ovarian cancer syndrome; BRCA1- and BRCA2-Associated Hereditary Breast and Ovarian Cancer; Hereditary breast and ovarian cancer syndrome; Hereditary breast and ovarian cancer syndrome (HBOC). Identifiers: Orphanet 145, MedGen C0677776, MeSH D061325, MONDO:0003582. Disease mechanism: loss of function.
Breast-ovarian cancer, familial, susceptibility to, 2 (BROVCA2). Also called: BRCA2 Hereditary Breast and Ovarian Cancer. Identifiers: Orphanet 145, MedGen C2675520, MONDO:0012933, OMIM 612555. Disease mechanism: loss of function.

Submissions (11):

Evidence-based Network for the Interpretation of Germline Mutant Alleles (ENIGMA)
Classification: Pathogenic for Breast-ovarian cancer, familial, susceptibility to, 2. Last evaluated: 2016-09-08. Review status: reviewed by expert panel. Criteria: ENIGMA BRCA1/2 Classification Criteria (2015). Collection method: curation. Allele origin: germline.
Comment: Variant allele predicted to encode a truncated non-functional protein.

Ambry Genetics
Classification: Pathogenic for Hereditary cancer-predisposing syndrome. Last evaluated: 2025-11-24. Review status: criteria provided, single submitter. Criteria: Ambry Variant Classification Scheme 2023. Collection method: clinical testing. Allele origin: germline. Not counted in ClinVar's aggregate classification.
Comment: The c.5720_5723delCTCT alteration, located in exon 11 (coding exon 10) of the BRCA2 gene, consists of a deletion of 4 nucleotides from position 5720 to 5723. This changes the amino acid from a serine (S) to a stop codon at amino acid position 1907. This alteration is expected to result in loss of function by premature protein truncation or nonsense-mediated mRNA decay. This variant was not reported in population-based cohorts in the Genome Aggregation Database (gnomAD). This variant has been identified amongst patients of multiple ethnicities undergoing genetic testing based on personal and/or family history suggestive of HBOC (Llort, 2002; de Juan Jim&eacute;nez, 2012; Liang, 2018; Pajares, 2018; Guindalini, 2022; Molina-Zayas, 2022; Yao, 2022; Ambry internal data). Of note, this alteration is also designated as c.5718_5721delCTCT or 5947delCTCT in the published literature. Based on the available evidence, this alteration is classified as pathogenic.

GeneDx
Classification: Pathogenic. Last evaluated: 2025-03-21. Review status: criteria provided, single submitter. Criteria: GeneDx Variant Classification Process June 2021. Collection method: clinical testing. Allele origin: germline. Affected: yes. Not counted in ClinVar's aggregate classification.
Comment: Reported in a patient with breast cancer in published literature; the variant is described as 5947delCTCT (PMID: 11857748); Nonsense variant predicted to result in protein truncation or nonsense mediated decay in a gene for which loss of function is a known mechanism of disease; Truncating variants in this gene are considered pathogenic by a well-established clinical consortium and/or database; Not observed at significant frequency in large population cohorts (gnomAD); Also known as 5948_5951del; This variant is associated with the following publications: (PMID: 30702160, 29884136, 35864222, 23479189, 31825140, 28724667, 35264596, 30625039, 32073954, 11857748)

Labcorp Genetics (formerly Invitae), Labcorp
Classification: Pathogenic for Hereditary breast ovarian cancer syndrome. Last evaluated: 2023-12-07. Review status: criteria provided, single submitter. Criteria: Invitae Variant Classification Sherloc (09022015). Collection method: clinical testing. Allele origin: germline. Not counted in ClinVar's aggregate classification.
Comment: This sequence change creates a premature translational stop signal (p.Ser1907*) in the BRCA2 gene. It is expected to result in an absent or disrupted protein product. Loss-of-function variants in BRCA2 are known to be pathogenic (PMID: 20104584). This variant is not present in population databases (gnomAD no frequency). This premature translational stop signal has been observed in individual(s) with breast cancer (PMID: 11857748, 23479189, 23613828). This variant is also known as 5947delCTCT. ClinVar contains an entry for this variant (Variation ID: 254563). Experimental studies and prediction algorithms are not available or were not evaluated, and the functional significance of this variant is currently unknown. For these reasons, this variant has been classified as Pathogenic.

Women's Health and Genetics/Laboratory Corporation of America, LabCorp
Classification: Pathogenic for Hereditary breast ovarian cancer syndrome. Last evaluated: 2023-11-24. Review status: criteria provided, single submitter. Criteria: LabCorp Variant Classification Summary - May 2015. Collection method: clinical testing. Allele origin: germline. Not counted in ClinVar's aggregate classification.
Comment: Variant summary: BRCA2 c.5720_5723delCTCT (p.Ser1907X) results in a premature termination codon, predicted to cause a truncation of the encoded protein or absence of the protein due to nonsense mediated decay, which are commonly known mechanisms for disease. The variant was absent in 250888 control chromosomes. c.5720_5723delCTCT has been reported in the literature in individuals affected with Hereditary Breast And Ovarian Cancer Syndrome (e.g. Guindalini_2022). To our knowledge, no experimental evidence demonstrating an impact on protein function has been reported. The following publication has been ascertained in the context of this evaluation (PMID: 35264596). Six submitters, including an expert panel (ENIGMA), have cited clinical-significance assessments for this variant to ClinVar after 2014. All submitters classified the variant as pathogenic. Based on the evidence outlined above, the variant was classified as pathogenic.

Color Diagnostics, LLC DBA Color Health
Classification: Pathogenic for Hereditary cancer-predisposing syndrome. Last evaluated: 2020-01-15. Review status: criteria provided, single submitter. Criteria: ACMG Guidelines, 2015. Collection method: clinical testing. Allele origin: germline. Not counted in ClinVar's aggregate classification.
Comment: This variant deletes 4 nucleotides in exon 11 of the BRCA2 gene, creating a frameshift and premature translation stop signal. This variant is expected to result in an absent or non-functional protein product. This variant has not been identified in the general population by the Genome Aggregation Database (gnomAD). Loss of BRCA2 function is a known mechanism of disease. Based on the available evidence, this variant is classified as Pathogenic.

Mendelics
Classification: Pathogenic for Hereditary breast and ovarian cancer syndrome. Last evaluated: 2018-07-02. Review status: criteria provided, single submitter. Criteria: Mendelics Assertion Criteria 2017. Collection method: clinical testing. Allele origin: unknown. Not counted in ClinVar's aggregate classification.

Genologica Medica
Classification: Pathogenic for Breast-ovarian cancer, familial, susceptibility to, 2. Last evaluated: 2017-01-01. Review status: criteria provided, single submitter. Criteria: ACMG Guidelines, 2015. Collection method: clinical testing. Allele origin: germline. Affected: yes. Not counted in ClinVar's aggregate classification.

Consortium of Investigators of Modifiers of BRCA1/2 (CIMBA), c/o University of Cambridge
Classification: Pathogenic for Breast-ovarian cancer, familial, susceptibility to, 2. Last evaluated: 2015-10-02. Review status: criteria provided, single submitter. Criteria: CIMBA Mutation Classification guidelines May 2016. Collection method: clinical testing. Allele origin: germline. Not counted in ClinVar's aggregate classification.

Bioscientia Institut fuer Medizinische Diagnostik GmbH, Sonic Healthcare
Classification: Pathogenic for Breast-ovarian cancer, familial, susceptibility to, 2. Review status: criteria provided, single submitter. Criteria: ACMG Guidelines, 2015. Collection method: clinical testing. Allele origin: germline. Affected: no. Not counted in ClinVar's aggregate classification.
Comment: ACMG criteria: PVS1,PM2,PP5

Breast Cancer Information Core (BIC) (BRCA2)
Classification: Pathogenic for Breast-ovarian cancer, familial 2. Last evaluated: 2011-03-02. Review status: no assertion criteria provided. Collection method: clinical testing. Allele origin: germline. Affected: yes. Observed: 1 variant allele. Not counted in ClinVar's aggregate classification.

Literature cited by the submitters: PubMed 11857748 (cited by Ambry Genetics and Labcorp Genetics (formerly Invitae), Labcorp); PubMed 21918853 (cited by Ambry Genetics); PubMed 29681614 (cited by Ambry Genetics); PubMed 29884136 (cited by Ambry Genetics and Bioscientia Institut fuer Medizinische Diagnostik GmbH, Sonic Healthcare); PubMed 35264596 (cited by Ambry Genetics and Women's Health and Genetics/Laboratory Corporation of America, LabCorp); PubMed 35451682 (cited by Ambry Genetics); PubMed 35864222 (cited by Ambry Genetics); PubMed 20104584 (cited by Labcorp Genetics (formerly Invitae), Labcorp); PubMed 23479189 (cited by Labcorp Genetics (formerly Invitae), Labcorp and Bioscientia Institut fuer Medizinische Diagnostik GmbH, Sonic Healthcare); PubMed 23613828 (cited by Labcorp Genetics (formerly Invitae), Labcorp).